The following is an entry in ClinVar:

NM_004544.4(NDUFA10):c.98A>G (p.Gln33Arg)

Gene: NDUFA10 (NADH:ubiquinone oxidoreductase subunit A10; minus strand). Cytogenetic location: 2q37.3.
Variant type: single nucleotide variant.
Coding change: c.98A>G on transcript NM_004544.4 (MANE Select); coding-DNA position 98, A replaced by G.
Protein change: p.Gln33Arg; replaces glutamine 33 with arginine.
Molecular consequence: missense variant. On other transcripts: non-coding transcript variant (3).
Genome position (GRCh38, 1-based): chr2:240,022,318, T>C on the plus strand (A>G on the coding strand, the complement: NDUFA10 is on the minus strand). VCF-style: chr2-240022318-T-C. GRCh37 (hg19) VCF-style: chr2-240961735-T-C.
Other names: c.98A>G, p.Gln33Arg (NM_001322019.2, NM_001322020.2, NM_001410987.1); short protein forms Q33R.
Identifiers: ClinVar variation 1714031 (VCV001714031.5), dbSNP rs1697656945, ClinGen allele CA351274974.

ClinVar aggregate classification (germline): Uncertain significance (1 of 4 stars; one submission).

Allele frequency attached by ClinVar (database versions not stated): gnomAD exomes below 0.00001.
gnomAD v4.1: 1 of 1,614,132 alleles (0.000062%); highest among the groups gnomAD compares: Non-Finnish European, 0.000085%; no homozygotes.

Submission:

Labcorp Genetics (formerly Invitae), Labcorp
Classification: Uncertain significance. Last evaluated: 2024-08-19. Review status: criteria provided, single submitter. Criteria: Invitae Variant Classification Sherloc (09022015). Collection method: clinical testing. Allele origin: germline.
Comment: This sequence change replaces glutamine, which is neutral and polar, with arginine, which is basic and polar, at codon 33 of the NDUFA10 protein (p.Gln33Arg). This variant is not present in population databases (gnomAD no frequency). This variant has not been reported in the literature in individuals affected with NDUFA10-related conditions. ClinVar contains an entry for this variant (Variation ID: 1714031). Invitae Evidence Modeling of protein sequence and biophysical properties (such as structural, functional, and spatial information, amino acid conservation, physicochemical variation, residue mobility, and thermodynamic stability) indicates that this missense variant is not expected to disrupt NDUFA10 protein function with a negative predictive value of 80%. In summary, the available evidence is currently insufficient to determine the role of this variant in disease. Therefore, it has been classified as a Variant of Uncertain Significance.